The following is an entry in ClinVar:

NM_001166271.3(SPATA13):c.102G>A (p.Ser34=)

Gene: SPATA13 (spermatogenesis associated 13; plus strand). Cytogenetic location: 13q12.12.
Variant type: single nucleotide variant.
Coding change: c.102G>A on transcript NM_001166271.3 (MANE Select); coding-DNA position 102, G replaced by A.
Protein change: p.Ser34=; no amino-acid change (serine 34 retained).
Molecular consequence: synonymous variant. On other transcripts: intron variant (1).
Genome position (GRCh38, 1-based): chr13:24,223,031, G>A. VCF-style: chr13-24223031-G-A. GRCh37 (hg19) VCF-style: chr13-24797169-G-A.
Other names: c.288G>A, p.Ser96= (NM_001286792.2); c.-222-26446G>A (NM_153023.4).
Identifiers: ClinVar variation 3041432 (VCV003041432.2), dbSNP rs369711697, ClinGen allele CA6913815.

ClinVar aggregate classification (germline): Likely benign (0 of 4 stars; one submission).

Conditions:
SPATA13-related disorder. Also called: SPATA13-related condition.

Allele frequency attached by ClinVar (database versions not stated): ESP Exome Variant Server 0.00066; 1000 Genomes Project 30x 0.00109; 1000 Genomes Project 0.00120.
gnomAD v4.1: 371 of 1,551,640 alleles (0.024%); highest among the groups gnomAD compares: African/African-American, 0.2%; 2 homozygotes.

Submission:

PreventionGenetics, part of Exact Sciences
Classification: Likely benign for SPATA13-related condition. Last evaluated: 2019-02-22. Review status: no assertion criteria provided. Collection method: clinical testing. Allele origin: germline.
Comment: This variant is classified as likely benign based on ACMG/AMP sequence variant interpretation guidelines (Richards et al. 2015 PMID: 25741868, with internal and published modifications).